The following is an entry in ClinVar:

ClinVar aggregate classification (germline): Conflicting classifications of pathogenicity. Review status: criteria provided, conflicting classifications (1 of 4 stars). 2 submissions from 2 submitters: Uncertain significance (1); Likely benign (1). Last evaluated 2025-11-08.

Allele frequency attached by ClinVar (database versions not stated): gnomAD exomes 0.00001; ExAC 0.00002.

Submissions (2):

Ambry Genetics
Classification: Likely benign. Last evaluated: 2025-11-08. Review status: criteria provided, single submitter. Criteria: Ambry Variant Classification Scheme 2023. Collection method: clinical testing. Allele origin: germline.

Labcorp Genetics (formerly Invitae), Labcorp
Classification: Uncertain significance. Last evaluated: 2021-02-15. Review status: criteria provided, single submitter. Criteria: Invitae Variant Classification Sherloc (09022015). Collection method: clinical testing. Allele origin: germline.
Comment: In summary, the available evidence is currently insufficient to determine the role of this variant in disease. Therefore, it has been classified as a Variant of Uncertain Significance. Algorithms developed to predict the effect of missense changes on protein structure and function output the following: SIFT: "Tolerated"; PolyPhen-2: "Benign"; Align-GVGD: "Class C0". The glutamine amino acid residue is found in multiple mammalian species, suggesting that this missense change does not adversely affect protein function. These predictions have not been confirmed by published functional studies and their clinical significance is uncertain. This variant has not been reported in the literature in individuals with ICOSLG-related conditions. This variant is present in population databases (rs760455624, ExAC 0.003%). This sequence change replaces arginine with glutamine at codon 17 of the ICOSLG protein (p.Arg17Gln). The arginine residue is weakly conserved and there is a small physicochemical difference between arginine and glutamine.

NM_015259.6(ICOSLG):c.50G>A (p.Arg17Gln)

Gene: ICOSLG (inducible T cell costimulator ligand; minus strand). Cytogenetic location: 21q22.3.
Variant type: single nucleotide variant.
Coding change: c.50G>A on transcript NM_015259.6 (MANE Select); coding-DNA position 50, G replaced by A.
Protein change: p.Arg17Gln; replaces arginine 17 with glutamine.
Molecular consequence: missense variant. On other transcripts: 5 prime UTR variant (2).
Genome position (GRCh38, 1-based): chr21:44,238,453, C>T on the plus strand (G>A on the coding strand, the complement: ICOSLG is on the minus strand). VCF-style: chr21-44238453-C-T. GRCh37 (hg19) VCF-style: chr21-45658336-C-T.
Other names: c.50G>A (NM_015259.4); c.50G>A, p.Arg17Gln (NM_001283050.2, NM_001283051.2); c.-54G>A (NM_001283052.2); c.-32G>A (NM_001365759.2); short protein forms R17Q.
Identifiers: ClinVar variation 1473925 (VCV001473925.9), dbSNP rs760455624, ClinGen allele CA321499187.